The following is an entry in ClinVar:

ClinVar aggregate classification (germline): Likely benign (1 of 4 stars; one submission).

Allele frequency attached by ClinVar (database versions not stated): TOPMed 0.00002; gnomAD 0.00007; gnomAD exomes 0.00014; ExAC 0.00060.
gnomAD v4.1: 157 of 1,176,746 alleles (0.013%); highest among the groups gnomAD compares: South Asian, 0.21%; no homozygotes.

Submission:

CeGaT Center for Human Genetics Tuebingen
Classification: Likely benign. Last evaluated: 2022-04-01. Review status: criteria provided, single submitter. Criteria: CeGaT Center For Human Genetics Tuebingen Variant Classification Criteria Version 2. Collection method: clinical testing. Allele origin: germline. Affected: yes. Observed: 1 variant allele.
Comment: LRCH2: BP4, BP7

NM_020871.4(LRCH2):c.312G>A (p.Pro104=)

Gene: LRCH2 (leucine rich repeats and calponin homology domain containing 2; minus strand). Cytogenetic location: Xq23.
Variant type: single nucleotide variant.
Coding change: c.312G>A on transcript NM_020871.4 (MANE Select); coding-DNA position 312, G replaced by A.
Protein change: p.Pro104=; no amino-acid change (proline 104 retained).
Molecular consequence: synonymous variant.
Genome position (GRCh38, 1-based): chrX:115,233,730, C>T on the plus strand (G>A on the coding strand, the complement: LRCH2 is on the minus strand). VCF-style: chrX-115233730-C-T. GRCh37 (hg19) VCF-style: chrX-114468293-C-T.
Other names: c.312G>A, p.Pro104= (NM_001243963.2).
Identifiers: ClinVar variation 2661247 (VCV002661247.24), dbSNP rs782318466, ClinGen allele CA10496575.
Genomic context (GRCh38, chrX:115,233,730, plus strand): 5'-TTCCCCTCCCCCCGTCCTGTCACCTGCTTGGGTGGTGTCCGTCAGGTCGTAGCCGCTGCC[C>T]GGGAAGTCTCGGAGTTTCCGACCACTGAGGCTCAGGATGCCGGAGCTGCCCGCCTCTTCC-3'
Protein context (NP_065922.3, residues 94-114): SLSGRKLRDF[Pro104=]GSGYDLTDTT